The following is an entry in ClinVar:

GRCh38/hg38 22q11.21(chr22:18161474-21110475)x3

Genes: AIFM3 (AIF family member 3; plus strand), ARVCF (ARVCF delta catenin family member; minus strand), C22orf39 (chromosome 22 open reading frame 39; minus strand), CCDC188 (coiled-coil domain containing 188; minus strand), CDC45 (cell division cycle 45; plus strand) and 187 more. Cytogenetic location: 22q11.21.
Variant type: copy number gain.
Change: copy number 3 (three copies instead of two) of chr22:18,161,474-21,110,475 (2.95 Mb, GRCh38 coordinates, 1-based), cytogenetic band 22q11.21.
Identifiers: ClinVar variation 4796212 (VCV004796212.1).

ClinVar aggregate classification (germline): Pathogenic (1 of 4 stars; one submission).

Submission:

Medical Genetic Center, Changzhi Maternal and Child Health Care Hospital
Classification: Pathogenic. Last evaluated: 2025-12-10. Review status: criteria provided, single submitter. Criteria: ACMG/ClinGen CNV Guidelines, 2019. Collection method: clinical testing. Allele origin: unknown.
Comment: 2A:22q11.2 recurrent (DGS/VCFS) region (proximal, A-D) (includes TBX1)